The following is an entry in ClinVar:

ClinVar aggregate classification (germline): Uncertain significance (1 of 4 stars; one submission).

Conditions:
Congenital myasthenic syndrome 9. Also called: Myasthenic syndrome, congenital, 9, associated with acetylcholine receptor deficiency. Identifiers: Orphanet 590, MedGen C4225368, MONDO:0014587, OMIM 616325.
Fetal akinesia deformation sequence 1 (FADS1). Also called: Fetal akinesia sequence; Pena-Shokeir syndrome type I. Identifiers: Orphanet 994, MedGen C1276035, MONDO:0100101, OMIM 208150, HP:0001989.

Allele frequency attached by ClinVar (database versions not stated): TOPMed below 0.00001; gnomAD exomes 0.00001 and 0.00002; ExAC 0.00004.
gnomAD v4.1: 6 of 1,571,542 alleles (0.00038%); highest among the groups gnomAD compares: Non-Finnish European, 0.00052%; no homozygotes.

Submission:

Labcorp Genetics (formerly Invitae), Labcorp
Classification: Uncertain significance for Congenital myasthenic syndrome 9; Fetal akinesia deformation sequence 1. Last evaluated: 2022-03-26. Review status: criteria provided, single submitter. Criteria: Invitae Variant Classification Sherloc (09022015). Collection method: clinical testing. Allele origin: germline.
Comment: This sequence change replaces arginine, which is basic and polar, with cysteine, which is neutral and slightly polar, at codon 836 of the MUSK protein (p.Arg836Cys). This variant is present in population databases (rs769657813, gnomAD 0.004%). This variant has not been reported in the literature in individuals affected with MUSK-related conditions. ClinVar contains an entry for this variant (Variation ID: 1052818). Algorithms developed to predict the effect of missense changes on protein structure and function are either unavailable or do not agree on the potential impact of this missense change (SIFT: "Deleterious"; PolyPhen-2: "Probably Damaging"; Align-GVGD: "Class C0"). In summary, the available evidence is currently insufficient to determine the role of this variant in disease. Therefore, it has been classified as a Variant of Uncertain Significance.

NM_005592.4(MUSK):c.2506C>T (p.Arg836Cys)

Gene: MUSK (muscle associated receptor tyrosine kinase; plus strand). Cytogenetic location: 9q31.3.
Variant type: single nucleotide variant.
Coding change: c.2506C>T on transcript NM_005592.4 (MANE Select); coding-DNA position 2506, C replaced by T.
Protein change: p.Arg836Cys; replaces arginine 836 with cysteine.
Molecular consequence: missense variant.
Genome position (GRCh38, 1-based): chr9:110,800,884, C>T. VCF-style: chr9-110800884-C-T. GRCh37 (hg19) VCF-style: chr9-113563164-C-T.
Other names: c.2248C>T, p.Arg750Cys (NM_001166280.2); c.2218C>T, p.Arg740Cys (NM_001166281.2); c.1246C>T, p.Arg416Cys (NM_001369398.1); short protein forms R416C, R740C, R750C, R836C.
Identifiers: ClinVar variation 1052818 (VCV001052818.6), dbSNP rs769657813, ClinGen allele CA5184642.